The following is an entry in ClinVar:

NM_015171.4(XPO6):c.1333A>G (p.Arg445Gly)

Gene: XPO6 (exportin 6; minus strand). Cytogenetic location: 16p12.1.
Variant type: single nucleotide variant.
Coding change: c.1333A>G on transcript NM_015171.4 (MANE Select); coding-DNA position 1333, A replaced by G.
Protein change: p.Arg445Gly; replaces arginine 445 with glycine.
Molecular consequence: missense variant.
Genome position (GRCh38, 1-based): chr16:28,146,095, T>C on the plus strand (A>G on the coding strand, the complement: XPO6 is on the minus strand). VCF-style: chr16-28146095-T-C. GRCh37 (hg19) VCF-style: chr16-28157416-T-C.
Other names: c.1291A>G, p.Arg431Gly (NM_001270940.2); short protein forms R431G, R445G.
Identifiers: ClinVar variation 4534790 (VCV004534790.6).

ClinVar aggregate classification (germline): Uncertain significance (1 of 4 stars; one submission).

Submission:

CeGaT Center for Human Genetics Tuebingen
Classification: Uncertain significance. Last evaluated: 2025-10-01. Review status: criteria provided, single submitter. Criteria: CeGaT Center For Human Genetics Tuebingen Variant Classification Criteria Version 2. Collection method: clinical testing. Allele origin: germline. Affected: yes. Observed: 1 variant allele.
Comment: XPO6: PM2, PP3